The following is an entry in ClinVar:

ClinVar aggregate classification (germline): Uncertain significance (1 of 4 stars; one submission).

Submission:

Ambry Genetics
Classification: Uncertain significance. Last evaluated: 2023-04-05. Review status: criteria provided, single submitter. Criteria: Ambry Variant Classification Scheme 2023. Collection method: clinical testing. Allele origin: germline.
Comment: The c.148G>A (p.A50T) alteration is located in exon (coding exon ) of the MMP24 gene. This alteration results from a G to A substitution at nucleotide position 148, causing the alanine (A) at amino acid position 50 to be replaced by a threonine (T). Based on insufficient or conflicting evidence, the clinical significance of this alteration remains unclear.

NM_006690.4(MMP24):c.148G>A (p.Ala50Thr)

Genes: MMP24 (matrix metallopeptidase 24; plus strand), MMP24-AS1-EDEM2 (MMP24-AS1-EDEM2 readthrough; minus strand). Cytogenetic location: 20q11.22.
Variant type: single nucleotide variant.
Coding change: c.148G>A on transcript NM_006690.4 (MANE Select); coding-DNA position 148, G replaced by A.
Protein change: p.Ala50Thr; replaces alanine 50 with threonine.
Molecular consequence: missense variant. On other transcripts: intron variant (1).
Genome position (GRCh38, 1-based): chr20:35,226,886, G>A. VCF-style: chr20-35226886-G-A. GRCh37 (hg19) VCF-style: chr20-33814689-G-A.
Other names: c.-351-8825C>T (NM_001355008.2); short protein forms A50T.
Identifiers: ClinVar variation 2533381 (VCV002533381.2), dbSNP rs2060415492, ClinGen allele CA408707097.